The following is an entry in ClinVar:

NM_001436401.1(NOBOX):c.38-302C>T

Gene: NOBOX (NOBOX oogenesis homeobox; minus strand). Cytogenetic location: 7q35.
Variant type: single nucleotide variant.
Coding change: c.38-302C>T on transcript NM_001436401.1 (MANE Select); 302 bases into the intron before coding-DNA position 38, C replaced by T.
Molecular consequence: intron variant.
Genome position (GRCh38, 1-based): chr7:144,401,899, G>A on the plus strand (C>T on the coding strand, the complement: NOBOX is on the minus strand). VCF-style: chr7-144401899-G-A. GRCh37 (hg19) VCF-style: chr7-144098992-G-A.
Other names: NM_001080413.3:c.262C>T; c.38-1587C>T (NM_001436402.1).
Identifiers: ClinVar variation 359152 (VCV000359152.9), dbSNP rs727714, ClinGen allele CA4544890.

ClinVar aggregate classification (germline): Benign. Review status: criteria provided, multiple submitters, no conflicts (2 of 4 stars). 4 submissions from 4 submitters: Benign (4). Last evaluated 2021-09-05.

Conditions:
Premature ovarian failure 5 (POF5). Identifiers: MedGen C1969060, MONDO:0012689, OMIM 611548.

Allele frequency attached by ClinVar (database versions not stated): ESP Exome Variant Server 0.60050; gnomAD 0.60215 and 0.61161; TOPMed 0.61473; ExAC 0.63118; gnomAD exomes 0.63226; 1000 Genomes Project 30x 0.69925; 1000 Genomes Project 0.70627.

Submissions (4):

Genome-Nilou Lab
Classification: Benign for Premature ovarian failure 5. Last evaluated: 2021-09-05. Review status: criteria provided, single submitter. Criteria: ACMG Guidelines, 2015. Collection method: clinical testing. Allele origin: germline. Affected: no.

Illumina Laboratory Services, Illumina
Classification: Benign for Premature ovarian failure 5. Last evaluated: 2017-04-27. Review status: criteria provided, single submitter. Criteria: ICSL Variant Classification Criteria 13 December 2019. Collection method: clinical testing. Allele origin: germline.
Comment: This variant was observed as part of a predisposition screen in an ostensibly healthy population. A literature search was performed for the gene, cDNA change, and amino acid change (where applicable). No publications were found based on this search. Allele frequency data from public databases was too high to be consistent with this variant causing disease. Therefore, this variant is classified as benign.

GeneDx
Classification: Benign. Last evaluated: 2015-03-03. Review status: criteria provided, single submitter. Criteria: GeneDx Variant Classification Process June 2021. Collection method: clinical testing. Allele origin: germline. Affected: yes.

Breakthrough Genomics
Classification: Benign. Review status: criteria provided, single submitter. Criteria: ACMG Guidelines, 2015. Collection method: not provided. Allele origin: germline. Inheritance: Autosomal dominant inheritance. Affected: yes.